The following is an entry in ClinVar:

ClinVar aggregate classification (germline): Uncertain significance. Review status: criteria provided, multiple submitters, no conflicts (2 of 4 stars). 3 submissions from 3 submitters: Uncertain significance (3). Last evaluated 2024-09-01.

Conditions:
Hereditary cancer-predisposing syndrome. Also called: Hereditary neoplastic syndrome; Neoplastic Syndromes, Hereditary; Tumor predisposition; Hereditary Cancer Syndrome. Identifiers: Orphanet 140162, MedGen C0027672, MeSH D009386, MONDO:0015356.

Allele frequency attached by ClinVar (database versions not stated): gnomAD exomes below 0.00001.
gnomAD v4.1: 1 of 1,613,160 alleles (0.000062%); highest among the groups gnomAD compares: South Asian, 0.0011%; no homozygotes.

Submissions (3):

CeGaT Center for Human Genetics Tuebingen
Classification: Uncertain significance. Last evaluated: 2024-09-01. Review status: criteria provided, single submitter. Criteria: CeGaT Center For Human Genetics Tuebingen Variant Classification Criteria Version 2. Collection method: clinical testing. Allele origin: germline. Affected: yes. Observed: 2 variant alleles.
Comment: ATM: PM2, BP1, BP4

GeneDx
Classification: Uncertain significance. Last evaluated: 2023-04-05. Review status: criteria provided, single submitter. Criteria: GeneDx Variant Classification Process June 2021. Collection method: clinical testing. Allele origin: germline. Affected: yes.
Comment: Not observed at significant frequency in large population cohorts (gnomAD); In silico analysis supports that this missense variant does not alter protein structure/function; Has not been previously published as pathogenic or benign to our knowledge

Ambry Genetics
Classification: Uncertain significance for Hereditary cancer-predisposing syndrome. Last evaluated: 2021-02-10. Review status: criteria provided, single submitter. Criteria: Ambry Variant Classification Scheme 2023. Collection method: clinical testing. Allele origin: germline.
Comment: The p.A756V variant (also known as c.2267C>T), located in coding exon 14 of the ATM gene, results from a C to T substitution at nucleotide position 2267. The alanine at codon 756 is replaced by valine, an amino acid with similar properties. This amino acid position is well conserved in available vertebrate species. In addition, this alteration is predicted to be tolerated by in silico analysis. Since supporting evidence is limited at this time, the clinical significance of this alteration remains unclear.

NM_000051.4(ATM):c.2267C>T (p.Ala756Val)

Gene: ATM (ATM serine/threonine kinase; plus strand). Cytogenetic location: 11q22.3.
Variant type: single nucleotide variant.
Coding change: c.2267C>T on transcript NM_000051.4 (MANE Select); coding-DNA position 2267, C replaced by T.
Protein change: p.Ala756Val; replaces alanine 756 with valine.
Molecular consequence: missense variant.
Genome position (GRCh38, 1-based): chr11:108,257,497, C>T. VCF-style: chr11-108257497-C-T. GRCh37 (hg19) VCF-style: chr11-108128224-C-T.
Other names: c.2267C>T, p.Ala756Val (NM_001351834.2); short protein forms A756V.
Identifiers: ClinVar variation 1788712 (VCV001788712.19), dbSNP rs2135405974, ClinGen allele CA382539608.